The following is an entry in ClinVar:

ClinVar aggregate classification (germline): Benign/Likely benign. Review status: criteria provided, multiple submitters, no conflicts (2 of 4 stars). 19 submissions from 19 submitters: Benign (14); Likely benign (3). 2 of the submissions do not count toward it. Last evaluated 2026-09-01.

Conditions:
Cardiovascular phenotype. Identifiers: MedGen CN230736.
Cardiomyopathy (CMYO). Also called: Cardiomyopathies. Identifiers: Orphanet 167848, MedGen C0878544, MONDO:0004994, HP:0001638. Inheritance: Various modes of inheritance.
Hypertrophic cardiomyopathy 4. Also called: Familial hypertrophic cardiomyopathy 4. Identifiers: MedGen C1861862, MONDO:0007268, OMIM 115197.
Hypertrophic cardiomyopathy. Also called: HYPERTROPHIC MYOCARDIOPATHY. Identifiers: Orphanet 217569, MedGen C0007194, MeSH D002312, MONDO:0005045, HP:0001639.

Allele frequency attached by ClinVar (database versions not stated): ExAC 0.00295; 1000 Genomes Project 0.00379; TOPMed 0.00449; gnomAD exomes 0.00097; 1000 Genomes Project 30x 0.00328; ESP Exome Variant Server 0.00518; gnomAD 0.00393 and 0.00427.
gnomAD v4.1: 1,203 of 1,574,186 alleles (0.076%); highest among the groups gnomAD compares: African/African-American, 1.4%; 9 homozygotes.

Submissions (19):

CeGaT Center for Human Genetics Tuebingen
Classification: Likely benign. Last evaluated: 2026-09-01. Review status: criteria provided, single submitter. Criteria: CeGaT Center For Human Genetics Tuebingen Variant Classification Criteria Version 2. Collection method: clinical testing. Allele origin: germline. Affected: yes. Observed: 2 variant alleles.
Comment: MYBPC3: BP4, BS1

Labcorp Genetics (formerly Invitae), Labcorp
Classification: Benign for Hypertrophic cardiomyopathy. Last evaluated: 2026-02-03. Review status: criteria provided, single submitter. Criteria: Invitae Variant Classification Sherloc (09022015). Collection method: clinical testing. Allele origin: germline.

ARUP Laboratories, Molecular Genetics and Genomics, ARUP Laboratories
Classification: Benign. Last evaluated: 2025-07-23. Review status: criteria provided, single submitter. Criteria: ARUP Molecular Germline Variant Investigation Process 2024. Collection method: clinical testing. Allele origin: germline.

Mayo Clinic Laboratories, Mayo Clinic
Classification: Likely benign. Last evaluated: 2025-06-03. Review status: criteria provided, single submitter. Criteria: ACMG Guidelines, 2015. Collection method: clinical testing. Allele origin: germline. Observed: 11 variant alleles.
Comment: BS1, BP2, BP4

Blueprint Genetics
Classification: Likely benign. Last evaluated: 2024-10-16. Review status: criteria provided, single submitter. Criteria: ACMG Guidelines, 2015. Collection method: clinical testing. Allele origin: germline.

All of Us Research Program, National Institutes of Health
Classification: Benign for Hypertrophic cardiomyopathy. Last evaluated: 2024-09-23. Review status: criteria provided, single submitter. Criteria: ACMG Guidelines, 2015. Collection method: clinical testing. Allele origin: germline. Inheritance: Autosomal dominant inheritance. Observed: 325 variant alleles, 320 heterozygotes, 5 homozygotes.
Comment: This study involves interpretation of variants in research participants for the purpose of population health screening. Participant phenotype was not available at the time of variant classification. Additional details can be found in publication PMID: 35346344, PMCID: PMC8962531

Laboratory for Molecular Medicine, Mass General Brigham Personalized Medicine
Classification: Benign. Last evaluated: 2020-11-17. Review status: criteria provided, single submitter. Criteria: LMM Criteria. Collection method: clinical testing. Allele origin: germline. Observed: 27 variant alleles.
Comment: p.Gly278Glu in exon 8 of MYBPC3: This variant is not expected to have clinical significance because it has been identified in 2.6% (76/2968) of African chromosomes by the Exome Aggregation Consortium (ExAC; dbSNP rs147315081).

Molecular Diagnostic Laboratory for Inherited Cardiovascular Disease, Montreal Heart Institute
Classification: Benign. Last evaluated: 2019-08-27. Review status: criteria provided, single submitter. Criteria: ACMG Guidelines, 2015. Collection method: clinical testing. Allele origin: germline. Affected: yes.

Mendelics
Classification: Benign for Hypertrophic cardiomyopathy 4. Last evaluated: 2019-05-28. Review status: criteria provided, single submitter. Criteria: Mendelics Assertion Criteria 2017. Collection method: clinical testing. Allele origin: unknown.

Center for Advanced Laboratory Medicine, UC San Diego Health, University of California San Diego
Classification: Benign for Cardiomyopathy. Last evaluated: 2019-02-16. Review status: criteria provided, single submitter. Criteria: ACMG Guidelines, 2015. Collection method: clinical testing. Allele origin: germline. Affected: yes. Observed: 1 variant allele.

GeneDx
Classification: Benign. Last evaluated: 2018-11-21. Review status: criteria provided, single submitter. Criteria: GeneDx Variant Classification Process June 2021. Collection method: clinical testing. Allele origin: germline. Affected: yes.
Comment: This variant is associated with the following publications: (PMID: 12707239, 21310275, 26332594, 18403758, 20624503, 22763267, 23299917, 25525159, 27532831, 30871747)

Color Diagnostics, LLC DBA Color Health
Classification: Benign for Cardiomyopathy. Last evaluated: 2018-04-23. Review status: criteria provided, single submitter. Criteria: ACMG Guidelines, 2015. Collection method: clinical testing. Allele origin: germline.

Ambry Genetics
Classification: Benign for Cardiovascular phenotype. Last evaluated: 2017-10-20. Review status: criteria provided, single submitter. Criteria: Ambry General Variant Classification Scheme_2022. Collection method: clinical testing. Allele origin: germline. Observed: 1 variant allele.

CHEO Genetics Diagnostic Laboratory, Children's Hospital of Eastern Ontario
Classification: Benign for Cardiomyopathy. Last evaluated: 2017-10-16. Review status: criteria provided, single submitter. Criteria: ACMG Guidelines, 2015. Collection method: clinical testing. Allele origin: germline. Study: Canadian Open Genetics Repository.

Genome Diagnostics Laboratory, University Medical Center Utrecht
Classification: Benign for Hypertrophic cardiomyopathy 4. Last evaluated: 2016-06-07. Review status: criteria provided, single submitter. Criteria: ACGS Guidelines, 2013. Collection method: clinical testing. Allele origin: germline. Affected: yes. Study: VKGL Data-share Consensus.

Eurofins Ntd Llc (ga)
Classification: Benign. Last evaluated: 2014-01-07. Review status: criteria provided, single submitter. Criteria: EGL Classification Definitions 2015. Collection method: clinical testing. Allele origin: germline. Observed: 1 variant allele, 1 heterozygote.

Breakthrough Genomics
Classification: Benign. Review status: criteria provided, single submitter. Criteria: ACMG Guidelines, 2015. Collection method: not provided. Allele origin: germline. Inheritance: Autosomal dominant inheritance. Affected: yes.

Cohesion Phenomics
Classification: Benign for Hypertrophic cardiomyopathy. Last evaluated: 2022-10-10. Review status: no assertion criteria provided. Criteria: ACMG Guidelines, 2015. Collection method: clinical testing. Allele origin: germline. Affected: yes. Not counted in ClinVar's aggregate classification.

Clinical Genetics, Academic Medical Center
Classification: Benign. Review status: no assertion criteria provided. Collection method: clinical testing. Allele origin: germline. Affected: yes. Study: VKGL Data-share Consensus. Not counted in ClinVar's aggregate classification.

Literature cited by the submitters: PubMed 12707239 (cited by Laboratory for Molecular Medicine, Mass General Brigham Personalized Medicine); PubMed 23299917 (cited by Laboratory for Molecular Medicine, Mass General Brigham Personalized Medicine); PubMed 26332594 (cited by Laboratory for Molecular Medicine, Mass General Brigham Personalized Medicine); PubMed 25525159 (cited by Laboratory for Molecular Medicine, Mass General Brigham Personalized Medicine); PubMed 20624503 (cited by Laboratory for Molecular Medicine, Mass General Brigham Personalized Medicine); PubMed 18403758 (cited by Laboratory for Molecular Medicine, Mass General Brigham Personalized Medicine); PubMed 22763267 (cited by Laboratory for Molecular Medicine, Mass General Brigham Personalized Medicine).

NM_000256.3(MYBPC3):c.833G>A (p.Gly278Glu)

Gene: MYBPC3 (myosin binding protein C3; minus strand). Cytogenetic location: 11p11.2.
Variant type: single nucleotide variant.
Coding change: c.833G>A on transcript NM_000256.3 (MANE Select); coding-DNA position 833, G replaced by A.
Protein change: p.Gly278Glu; replaces glycine 278 with glutamic acid.
Molecular consequence: missense variant.
Genome position (GRCh38, 1-based): chr11:47,347,669, C>T on the plus strand (G>A on the coding strand, the complement: MYBPC3 is on the minus strand). VCF-style: chr11-47347669-C-T. GRCh37 (hg19) VCF-style: chr11-47369220-C-T.
Other names: p.G278E:GGA>GAA; short protein forms G278E.
Identifiers: ClinVar variation 42797 (VCV000042797.54), dbSNP rs147315081, ClinGen allele CA015928.
Genomic context (GRCh38, chr11:47,347,669, plus strand): 5'-GGGGTCTGCGGATGGTGCAGGTAGGGCCTGGGGCAGGGGTACCTGATCCGCCGACCACCT[C>T]CAGCCAGGCTCCTGTGGGGGTTAGACTCAGTATCCTCACCTGCCTGGGAAGCTTGCTCTC-3'
Protein context (NP_000247.2, residues 268-288): LSAFRRTSLA[Gly278Glu]GGRRISDSHE